The following is an entry in ClinVar:

NM_000492.4(CFTR):c.1329_1350del (p.Asp443fs)

Genes: CFTR (CF transmembrane conductance regulator; plus strand), CFTR-AS1 (CFTR antisense RNA 1; minus strand). Cytogenetic location: 7q31.2.
Variant type: Deletion.
Coding change: c.1329_1350del on transcript NM_000492.4 (MANE Select); coding-DNA positions 1329 to 1350, 22 bases deleted (TATTAATTTCAAGATAGAAAGA).
Protein change: p.Asp443fs; shifts the reading frame from aspartic acid 443.
Molecular consequence: frameshift variant.
Genome position (GRCh38, 1-based): chr7:117,548,760-117,548,781, TATTAATTTCAAGATAGAAAGA deleted; deleting any 22 consecutive bases within chr7:117,548,754-117,548,781 gives the same sequence; the c. name uses the placement nearest the transcript's 3' end. VCF-style (leftmost placement, unchanged base first): chr7-117548753-TGAAAGATATTAATTTCAAGATA-T. GRCh37 (hg19) VCF-style: chr7-117188807-TGAAAGATATTAATTTCAAGATA-T.
Other names: short protein forms D443fs.
Identifiers: ClinVar variation 560220 (VCV000560220.2), dbSNP rs1562895066, ClinGen allele CA658821279.

ClinVar aggregate classification (germline): Likely pathogenic. Review status: criteria provided, single submitter (1 of 4 stars). 2 submissions from 2 submitters: Likely pathogenic (1). 1 of the submissions does not count toward it. Last evaluated 2022-09-05.

Conditions:
Cystic fibrosis (CF). Also called: MUCOVISCIDOSIS. Identifiers: Orphanet 586, MedGen C0010674, MONDO:0009061, OMIM 219700. Disease mechanism: loss of function.

Submissions (2):

Institute of Human Genetics, University of Leipzig Medical Center
Classification: Likely pathogenic for Cystic fibrosis. Last evaluated: 2022-09-05. Review status: criteria provided, single submitter. Criteria: ACMG Guidelines, 2015. Collection method: curation. Allele origin: unknown. Affected: yes. Observed: 1 variant allele.
Comment: The variant was classified in the context of a project re-classifying variants in the German Cystic Fibrosis Registry (Muko.e.V.). Criteria applied: PVS1, PM2_SUP

Institute of Human Genetics, Cologne University
Classification: Pathogenic for Cystic fibrosis. Review status: no assertion criteria provided. Collection method: clinical testing. Allele origin: unknown. Affected: yes. Observed: 1 homozygote. Not counted in ClinVar's aggregate classification.
Comment: leads to a frameshift (p.Asp443Glufs*19)